The following is an entry in ClinVar:

ClinVar aggregate classification (germline): Pathogenic. Review status: criteria provided, multiple submitters, no conflicts (2 of 4 stars). 13 submissions from 13 submitters: Pathogenic (11). 2 of the submissions do not count toward it. Last evaluated 2025-11-25.

Conditions:
Methylmalonic aciduria due to complete methylmalonyl-CoA mutase deficiency.
MUT-related disorders.
MMUT-related disorder. Also called: MMUT-related condition.
Methylmalonic acidemia (MMA). Also called: Isolated Methylmalonic Acidemia. Identifiers: MedGen C0268583, MeSH C537358, MONDO:0002012, HP:0002912.
Methylmalonic aciduria due to methylmalonyl-CoA mutase deficiency (MAMM). Also called: Methylmalonic aciduria, mut type. Identifiers: Orphanet 27, MedGen C1855114, MONDO:0009612, OMIM 251000.
Abnormality of metabolism/homeostasis. Identifiers: MedGen C4021768, HP:0001939.

Allele frequency attached by ClinVar (database versions not stated): gnomAD exomes 0.00003; TOPMed 0.00003; gnomAD 0.00004; ExAC 0.00005.
gnomAD v4.1: 68 of 1,613,302 alleles (0.0042%); highest among the groups gnomAD compares: Non-Finnish European, 0.0056%; no homozygotes.

Submissions (13):

Labcorp Genetics (formerly Invitae), Labcorp
Classification: Pathogenic. Last evaluated: 2025-11-25. Review status: criteria provided, single submitter. Criteria: Invitae Variant Classification Sherloc (09022015). Collection method: clinical testing. Allele origin: germline.
Comment: This sequence change replaces alanine, which is neutral and non-polar, with glutamic acid, which is acidic and polar, at codon 191 of the MUT protein (p.Ala191Glu). This variant is present in population databases (rs760782399, gnomAD 0.008%). This missense change has been observed in individuals with methylmalonic acidemia (PMID: 15643616, 16281286, 17113806, 17957493, 20549364, 24059531). ClinVar contains an entry for this variant (Variation ID: 203854). Invitae Evidence Modeling of protein sequence and biophysical properties (such as structural, functional, and spatial information, amino acid conservation, physicochemical variation, residue mobility, and thermodynamic stability) indicates that this missense variant is expected to disrupt MUT protein function with a positive predictive value of 95%. Experimental studies have shown that this missense change affects MUT function (PMID: 16281286, 17113806). For these reasons, this variant has been classified as Pathogenic.

PreventionGenetics, part of Exact Sciences
Classification: Pathogenic for MMUT-related condition. Last evaluated: 2025-07-09. Review status: criteria provided, single submitter. Criteria: ACMG Guidelines, 2015. Collection method: clinical testing. Allele origin: germline.
Comment: The MMUT c.572C>A variant is predicted to result in the amino acid substitution p.Ala191Glu. This variant has been reported in the homozygous or heterozygous state with a second MMUT variant in numerous methylmalonic acidemia patients. In the homozygous state or with a second loss-of-function variant, it has been associated with mut0 type methylmalonic acidemia (MMA) (for example, see Acquaviva et al. 2005. PubMed ID: 15643616; Worgan et al. 2006. PubMed ID: 16281286; Chu et al. 2016. PubMed ID: 27233228; Brassier et al. 2020. PubMed ID: 31525265). In a functional study, the p.Ala191Glu substitution was reported to affect protein folding and enzyme catalysis (Forny et al. 2014. PubMed ID: 25125334). This variant is reported in 0.0070% of alleles in individuals of European (Non-Finnish) descent in gnomAD. This variant is interpreted as pathogenic.

Natera, Inc.
Classification: Pathogenic for Methylmalonic aciduria due to complete methylmalonyl-CoA mutase deficiency. Last evaluated: 2025-06-13. Review status: criteria provided, single submitter. Criteria: Natera Variant Classification Schema (03/2026). Collection method: clinical testing. Allele origin: germline.
Comment: The c.572C>A variant in MMUT is a missense variant predicted to cause substitution of alanine to glutamic acid at amino acid 191. This variant is rare in the general population with a frequency below the threshold expected for the associated phenotype(s). This variant has been observed in one or more individuals affected with the associated recessive disease, as either homozygous or compound heterozygous with a second variant (PMID: 15643616). Computational prediction algorithms indicate this variant is likely to affect gene or protein function. Given the available evidence, this variant is classified as Pathogenic.

GeneDx
Classification: Pathogenic. Last evaluated: 2022-11-03. Review status: criteria provided, single submitter. Criteria: GeneDx Variant Classification Process June 2021. Collection method: clinical testing. Allele origin: germline. Affected: yes.
Comment: Not observed at a significant frequency in large population cohorts (gnomAD); Published functional studies demonstrate that this variant disrupts protein polarity (Forny et al., 2014); In silico analysis supports that this missense variant has a deleterious effect on protein structure/function; This variant is associated with the following publications: (PMID: 15643616, 31260114, 31525265, 30577886, 26790480, 16281286, 17113806, 2595903, 24059531, 32754920, 9554742, 15781192, 17957493, 25125334)

3billion
Classification: Pathogenic for Methylmalonic aciduria due to methylmalonyl-CoA mutase deficiency. Last evaluated: 2022-09-01. Review status: criteria provided, single submitter. Criteria: ACMG Guidelines, 2015. Collection method: clinical testing. Allele origin: germline. Affected: yes. Observed: 1 heterozygote.
Comment: The variant is observed at an extremely low frequency in the gnomAD v2.1.1 dataset (total allele frequency: 0.003%). In silico tool predictions suggest damaging effect of the variant on gene or gene product (REVEL: 0.96; 3Cnet: 0.83). Same nucleotide change resulting in same amino acid change has been previously reported as pathogenic/likely pathogenic with strong evidence (ClinVar ID: VCV000203854). The variant has been reported to be in trans with a pathogenic variant as either compound heterozygous or homozygous in at least 4 similarly affected unrelated individuals (PMID: 16281286). A different missense change at the same codon (p.Ala191Thr) has been reported to be associated with MMUT-related disorder (ClinVar ID: VCV000451101). Therefore, this variant is classified as Pathogenic according to the recommendation of ACMG/AMP guideline.

Fulgent Genetics
Classification: Pathogenic for Methylmalonic aciduria due to methylmalonyl-CoA mutase deficiency. Last evaluated: 2022-05-31. Review status: criteria provided, single submitter. Criteria: ACMG Guidelines, 2015. Collection method: clinical testing. Allele origin: unknown.

Blueprint Genetics
Classification: Pathogenic for MUT-related disorders. Last evaluated: 2022-03-22. Review status: criteria provided, single submitter. Criteria: ACMG Guidelines, 2015. Collection method: clinical testing. Allele origin: germline. Affected: yes. Observed: 1 variant allele.

Kariminejad - Najmabadi Pathology & Genetics Center
Classification: Pathogenic for Abnormality of metabolism/homeostasis. Last evaluated: 2021-07-10. Review status: criteria provided, single submitter. Criteria: ACMG Guidelines, 2015. Collection method: clinical testing. Allele origin: germline.

Revvity Omics, Revvity
Classification: Pathogenic for Methylmalonic aciduria due to methylmalonyl-CoA mutase deficiency. Last evaluated: 2019-07-02. Review status: criteria provided, single submitter. Criteria: ACMG Guidelines, 2015. Collection method: clinical testing. Allele origin: germline.

ARUP Laboratories, Molecular Genetics and Genomics, ARUP Laboratories
Classification: Pathogenic. Last evaluated: 2018-05-05. Review status: criteria provided, single submitter. Criteria: ARUP Molecular Germline Variant Investigation Process. Collection method: clinical testing. Allele origin: germline.
Comment: The p.Ala191Glu (rs760782399) is one a commonly associated variants with Methylmalonic aciduria (Adjalla 1998, Worgan 2006, and GeneReviews pubmed ID 20301409). This variant is listed in the Genome Aggregation Database (gnomAD) with an overall population frequency of 0.004 percent (identified on 10 out of 277,004 chromosomes) and has been reported to the ClinVar database with a pathogenic classification (variation ID: 203854). Expression of the variant MUT protein in bacteria results in poor solubility (Forny 2014) consistent with high conservation of the alanine at position 191 and damaging effects by computational predictor algorithms (SIFT: damaging, PolyPhen-2: probably damaging). Based on these observations the p.Ala191Glu variant is considered to be likely pathogenic.

Women's Health and Genetics/Laboratory Corporation of America, LabCorp
Classification: Pathogenic for Methylmalonic acidemia. Last evaluated: 2017-03-20. Review status: criteria provided, single submitter. Criteria: LabCorp Variant Classification Summary - May 2015. Collection method: clinical testing. Allele origin: germline.
Comment: Variant summary: The MUT c.572C>A (p.Ala191Glu) variant located in the alpha chain, catalytic domain (via InterPro) involves the alteration of a conserved nucleotide and is predicted to be damaging by 4/4 in silico tools (SNPs&GO not captured due to low reliability index). This variant was found in 6/121172 control chromosomes from ExAC at a heterozygous allele frequency of 0.0000495, which does not exceed the estimated maximal expected allele frequency of a pathogenic MUT variant (0.0024152). This variant is a frequent disease-causing mutation found in several patients in homozygous as well as compound heterozygous state with other likely pathogenic/pathogenic variants with consistent biochemical phenotype (Adjalla_1998, Worgan_2006, de Keyzer_2009, Nizon_2013, Manoli_2016). In addition, one in vitro functional study showed that this variant leads to impairment of folding as well catalytic activity of protein (Forny_2014). Multiple clinical diagnostic laboratories/reputable databases have classified this variant as pathogenic. Taken together, this variant is classified as Pathogenic.

Counsyl
Classification: Pathogenic for Methylmalonic aciduria due to methylmalonyl-CoA mutase deficiency. Last evaluated: 2017-10-10. Review status: no assertion criteria provided. Collection method: clinical testing. Allele origin: unknown. Not counted in ClinVar's aggregate classification.

GeneReviews
No classification provided. Condition: Methylmalonic aciduria due to methylmalonyl-CoA mutase deficiency. Review status: no classification provided. Collection method: literature only. Allele origin: germline. Affected: yes. Not counted in ClinVar's aggregate classification.
Comment: mut0 enzymatic subtype

Literature cited by the submitters: PubMed 15643616 (cited by Labcorp Genetics (formerly Invitae), Labcorp and Natera, Inc.); PubMed 16281286 (cited by 3 submitters); PubMed 17113806 (cited by Labcorp Genetics (formerly Invitae), Labcorp); PubMed 17957493 (cited by Labcorp Genetics (formerly Invitae), Labcorp); PubMed 20549364 (cited by Labcorp Genetics (formerly Invitae), Labcorp); PubMed 24059531 (cited by Labcorp Genetics (formerly Invitae), Labcorp); PubMed 27233228 (cited by Counsyl); NCBI Bookshelf NBK1231 (cited by GeneReviews).

NM_000255.4(MMUT):c.572C>A (p.Ala191Glu)

Gene: MMUT (methylmalonyl-CoA mutase; minus strand). Cytogenetic location: 6p12.3.
Variant type: single nucleotide variant.
Coding change: c.572C>A on transcript NM_000255.4 (MANE Select); coding-DNA position 572, C replaced by A.
Protein change: p.Ala191Glu; replaces alanine 191 with glutamic acid.
Molecular consequence: missense variant.
Genome position (GRCh38, 1-based): chr6:49,457,872, G>T on the plus strand (C>A on the coding strand, the complement: MMUT is on the minus strand). VCF-style: chr6-49457872-G-T. GRCh37 (hg19) VCF-style: chr6-49425585-G-T.
Other names: p.A191E:GCA>GAA; short protein forms A191E.
Identifiers: ClinVar variation 203854 (VCV000203854.54), dbSNP rs760782399, ClinGen allele CA312777.